The following is an entry in ClinVar:

ClinVar aggregate classification (germline): Pathogenic (1 of 4 stars; one submission).

Conditions:
Familial infantile myasthenia (CMS6). Also called: Congenital myasthenic syndrome type 6; MYASTHENIC SYNDROME, PRESYNAPTIC, CONGENITAL, ASSOCIATED WITH EPISODIC APNEA; MYASTHENIC SYNDROME, CONGENITAL, 6, PRESYNAPTIC. Identifiers: Orphanet 590, MedGen C0393929, MONDO:0009689, OMIM 254210.

Submission:

Labcorp Genetics (formerly Invitae), Labcorp
Classification: Pathogenic for Familial infantile myasthenia. Last evaluated: 2023-06-30. Review status: criteria provided, single submitter. Criteria: Invitae Variant Classification Sherloc (09022015). Collection method: clinical testing. Allele origin: germline.
Comment: For these reasons, this variant has been classified as Pathogenic. This variant has not been reported in the literature in individuals affected with CHAT-related conditions. This variant is not present in population databases (gnomAD no frequency). This sequence change creates a premature translational stop signal (p.Trp485*) in the CHAT gene. It is expected to result in an absent or disrupted protein product. Loss-of-function variants in CHAT are known to be pathogenic (PMID: 12548525, 21786365, 23292760).

Literature cited by the submitters: PubMed 12548525; PubMed 21786365; PubMed 23292760.

NM_020549.5(CHAT):c.1455G>A (p.Trp485Ter)

Gene: CHAT (choline O-acetyltransferase; plus strand). Cytogenetic location: 10q11.23.
Variant type: single nucleotide variant.
Coding change: c.1455G>A on transcript NM_020549.5 (MANE Select); coding-DNA position 1455, G replaced by A.
Protein change: p.Trp485Ter; replaces tryptophan 485 with a stop codon.
Molecular consequence: nonsense.
Genome position (GRCh38, 1-based): chr10:49,649,580, G>A. VCF-style: chr10-49649580-G-A. GRCh37 (hg19) VCF-style: chr10-50857626-G-A.
Other names: c.1101G>A, p.Trp367Ter (NM_001142929.2, NM_001142934.2, NM_020984.4 and 2 more transcripts); c.1209G>A, p.Trp403Ter (NM_001142933.2); short protein forms W403*, W485*, W367*.
Identifiers: ClinVar variation 2733909 (VCV002733909.3), dbSNP rs2538864345, ClinGen allele CA376743674.
Genomic context (GRCh38, chr10:49,649,580, plus strand): 5'-CAGGAAGCTGATCCGAGCAGACTCCGTCAGCGAGCTCCCCGCCCCCCGGAGGCTGCGGTG[G>A]AAATGCTCCCCGGAAATTCAAGGCCACTTAGCCTCCTCGGCAGAAAAACTTCAACGGTAA-3'